The following is an entry in ClinVar:

NM_177438.3(DICER1):c.5440T>G (p.Ser1814Ala)

Gene: DICER1 (dicer 1, ribonuclease III; minus strand). Cytogenetic location: 14q32.13.
Variant type: single nucleotide variant.
Coding change: c.5440T>G on transcript NM_177438.3 (MANE Select); coding-DNA position 5440, T replaced by G.
Protein change: p.Ser1814Ala; replaces serine 1814 with alanine.
Molecular consequence: missense variant. On other transcripts: non-coding transcript variant (6), intron variant (1).
Genome position (GRCh38, 1-based): chr14:95,091,290, A>C on the plus strand (T>G on the coding strand, the complement: DICER1 is on the minus strand). VCF-style: chr14-95091290-A-C. GRCh37 (hg19) VCF-style: chr14-95557627-A-C.
Other names: c.5440T>G, p.Ser1814Ala (NM_001271282.3, NM_001291628.2, NM_001395677.1 and 8 more transcripts); c.5158T>G, p.Ser1720Ala (NM_001395686.1); c.5035T>G, p.Ser1679Ala (NM_001395687.1, NM_001395688.1, NM_001395689.1 and 1 more transcripts); c.4873T>G, p.Ser1625Ala (NM_001395691.1); c.3757T>G, p.Ser1253Ala (NM_001395697.1); c.5365-181T>G (NM_001195573.1); short protein forms S1253A, S1625A, S1679A, S1720A, S1814A.
Identifiers: ClinVar variation 1747555 (VCV001747555.2), dbSNP rs2139778017, ClinGen allele CA390864646.

ClinVar aggregate classification (germline): Uncertain significance (1 of 4 stars; one submission).

Conditions:
Hereditary cancer-predisposing syndrome. Also called: Hereditary Cancer Syndrome; Neoplastic Syndromes, Hereditary; Tumor predisposition; Hereditary neoplastic syndrome. Identifiers: Orphanet 140162, MedGen C0027672, MeSH D009386, MONDO:0015356.

Submission:

Ambry Genetics
Classification: Uncertain significance for Hereditary cancer-predisposing syndrome. Last evaluated: 2020-02-11. Review status: criteria provided, single submitter. Criteria: Ambry Variant Classification Scheme 2023. Collection method: clinical testing. Allele origin: germline.
Comment: The p.S1814A variant (also known as c.5440T>G), located in coding exon 24 of the DICER1 gene, results from a T to G substitution at nucleotide position 5440. The serine at codon 1814 is replaced by alanine, an amino acid with similar properties. This amino acid position is highly conserved in available vertebrate species. In addition, the in silico prediction for this alteration is inconclusive. Since supporting evidence is limited at this time, the clinical significance of this alteration remains unclear.